The following is an entry in ClinVar:

ClinVar aggregate classification (germline): Uncertain significance (1 of 4 stars; one submission).

Conditions:
PLXNA3-related disorder. Also called: PLXNA3-related condition.

Submission:

PreventionGenetics, part of Exact Sciences
Classification: Uncertain significance for PLXNA3-related condition. Last evaluated: 2025-08-28. Review status: criteria provided, single submitter. Criteria: ACMG Guidelines, 2015. Collection method: clinical testing. Allele origin: germline.
Comment: The PLXNA3 c.5266A>C variant is predicted to result in the amino acid substitution p.Met1756Leu. To our knowledge, this variant has not been reported in the literature or in a large population database (gnomAD), indicating this variant is rare. At this time, the clinical significance of this variant is uncertain due to the absence of conclusive functional and genetic evidence.

NM_017514.5(PLXNA3):c.5266A>C (p.Met1756Leu)

Gene: PLXNA3 (plexin A3; plus strand). Cytogenetic location: Xq28.
Variant type: single nucleotide variant.
Coding change: c.5266A>C on transcript NM_017514.5 (MANE Select); coding-DNA position 5266, A replaced by C.
Protein change: p.Met1756Leu; replaces methionine 1756 with leucine.
Molecular consequence: missense variant.
Genome position (GRCh38, 1-based): chrX:154,471,214, A>C. VCF-style: chrX-154471214-A-C. GRCh37 (hg19) VCF-style: chrX-153699557-A-C.
Other names: short protein forms M1756L.
Identifiers: ClinVar variation 4993893 (VCV004993893.1).